The following is an entry in ClinVar:

NM_001009944.3(PKD1):c.3022_3039del (p.Asn1008_Val1013del)

Gene: PKD1 (polycystin 1, transient receptor potential channel interacting; minus strand). Cytogenetic location: 16p13.3.
Variant type: Deletion.
Coding change: c.3022_3039del on transcript NM_001009944.3 (MANE Select); coding-DNA positions 3022 to 3039, 18 bases deleted (AACTACAACGTAACCGTG).
Protein change: p.Asn1008_Val1013del.
Molecular consequence: inframe deletion.
Genome position (GRCh38, 1-based): chr16:2,112,910-2,112,927, CACGGTTACGTTGTAGTT deleted on the plus strand (AACTACAACGTAACCGTG on the coding strand, the reverse complement: PKD1 is on the minus strand); deleting any 18 consecutive bases within chr16:2,112,910-2,112,933 gives the same sequence; the c. name uses the placement nearest the transcript's 3' end. VCF-style (leftmost placement, unchanged base first): chr16-2112909-CCACGGTTACGTTGTAGTT-C. GRCh37 (hg19) VCF-style: chr16-2162910-CCACGGTTACGTTGTAGTT-C.
Other names: c.3022_3039del, p.Asn1008_Val1013del (NM_000296.4); c.3022_3039del18 (NM_001009944.2).
Identifiers: ClinVar variation 586265 (VCV000586265.5), dbSNP rs1567207029, ClinGen allele CA891844386.

ClinVar aggregate classification (germline): Conflicting classifications of pathogenicity. Review status: criteria provided, conflicting classifications (1 of 4 stars). 4 submissions from 4 submitters: Pathogenic (1); Likely pathogenic (2); Uncertain significance (1). Last evaluated 2026-01-20.

Conditions:
PKD1-related disorder. Also called: PKD1-related condition.
Polycystic kidney disease, adult type (PKD1). Also called: Polycystic Kidney, Autosomal Dominant; Polycystic Kidney Disease 1, Autosomal Dominant; Polycystic kidney disease 1; Polycystic kidney disease 1, severe; POLYCYSTIC KIDNEY DISEASE, ADULT, TYPE I; POLYCYSTIC KIDNEY DISEASE 1 WITH OR WITHOUT POLYCYSTIC LIVER DISEASE. Identifiers: MedGen C3149841, MONDO:0008263, OMIM 173900.

Submissions (4):

PreventionGenetics, part of Exact Sciences
Classification: Pathogenic for PKD1-related condition. Last evaluated: 2026-01-20. Review status: criteria provided, single submitter. Criteria: ACMG Guidelines, 2015. Collection method: clinical testing. Allele origin: germline.
Comment: The PKD1 c.3022_3039del18 variant is predicted to result in an in-frame deletion (p.Asn1008_Val1013del). This variant was reported in individuals with autosomal dominant polycystic kidney disease (ADPKD) (Supplementary Table 1, Bullich et al. 2018. PubMed ID: 29801666; Supplementary Table 2, Domingo-Gallego et al. 2022. PubMed ID: 33532864). Of note, a smaller in-frame deletion within this deletion interval, defined as c.3025_3027del (p.Tyr1009del), was reported as "highly likely pathogenic" in two individuals likely from one family with ADPKD (Supp. Table S5, Audrézet et al. 2012. PubMed ID: 22508176). Small in-frame deletions in PKD1 were commonly reported to be pathogenic for ADPKD. This variant has not been reported in a large population database (gnomAD), indicating this variant is rare. This variant is interpreted as pathogenic.

Fulgent Genetics
Classification: Likely pathogenic for Polycystic kidney disease, adult type. Last evaluated: 2024-03-20. Review status: criteria provided, single submitter. Criteria: ACMG Guidelines, 2015. Collection method: clinical testing. Allele origin: germline.

Molecular Biology Laboratory, Fundació Puigvert
Classification: Likely pathogenic for Polycystic kidney disease, adult type. Last evaluated: 2020-02-01. Review status: criteria provided, single submitter. Criteria: ACMG Guidelines, 2015. Collection method: research. Allele origin: germline. Affected: yes. Study: KidneyPanel_2020.

Athena Diagnostics
Classification: Uncertain significance. Last evaluated: 2018-05-22. Review status: criteria provided, single submitter. Criteria: Athena Diagnostics Criteria. Collection method: clinical testing. Allele origin: germline.

Literature cited by the submitters: PubMed 33532864 (cited by Molecular Biology Laboratory, Fundació Puigvert).